The following is an entry in ClinVar:

NM_080680.3(COL11A2):c.836A>G (p.Tyr279Cys)

Gene: COL11A2 (collagen type XI alpha 2 chain; minus strand). Cytogenetic location: 6p21.32.
Variant type: single nucleotide variant.
Coding change: c.836A>G on transcript NM_080680.3 (MANE Select); coding-DNA position 836, A replaced by G.
Protein change: p.Tyr279Cys; replaces tyrosine 279 with cysteine.
Molecular consequence: missense variant. On other transcripts: 5 prime UTR variant (3), intron variant (2).
Genome position (GRCh38, 1-based): chr6:33,185,741, T>C on the plus strand (A>G on the coding strand, the complement: COL11A2 is on the minus strand). VCF-style: chr6-33185741-T-C. GRCh37 (hg19) VCF-style: chr6-33153518-T-C.
Other names: c.836A>G, p.Tyr279Cys (NM_001424108.1); c.-11A>G (NM_001424109.1, NM_001424110.1, NM_001424111.1); c.798+886A>G (NM_080679.3); c.799-687A>G (NM_080681.3); short protein forms Y279C.
Identifiers: ClinVar variation 3631600 (VCV003631600.2).

ClinVar aggregate classification (germline): Uncertain significance (1 of 4 stars; one submission).

Submission:

Labcorp Genetics (formerly Invitae), Labcorp
Classification: Uncertain significance. Last evaluated: 2024-05-31. Review status: criteria provided, single submitter. Criteria: Invitae Variant Classification Sherloc (09022015). Collection method: clinical testing. Allele origin: germline.
Comment: This sequence change replaces tyrosine, which is neutral and polar, with cysteine, which is neutral and slightly polar, at codon 279 of the COL11A2 protein (p.Tyr279Cys). This variant is not present in population databases (gnomAD no frequency). This missense change has been observed in individual(s) with autosomal recessive deafness (Invitae). Advanced modeling of protein sequence and biophysical properties (such as structural, functional, and spatial information, amino acid conservation, physicochemical variation, residue mobility, and thermodynamic stability) performed at Invitae indicates that this missense variant is not expected to disrupt COL11A2 protein function with a negative predictive value of 95%. In summary, the available evidence is currently insufficient to determine the role of this variant in disease. Therefore, it has been classified as a Variant of Uncertain Significance.